The following is an entry in ClinVar:

NM_001458.5(FLNC):c.850+3A>G

Gene: FLNC (filamin C; plus strand). Cytogenetic location: 7q32.1.
Variant type: single nucleotide variant.
Coding change: c.850+3A>G on transcript NM_001458.5 (MANE Select); 3 bases into the intron after coding-DNA position 850, A replaced by G.
Molecular consequence: intron variant.
Genome position (GRCh38, 1-based): chr7:128,837,551, A>G. VCF-style: chr7-128837551-A-G. GRCh37 (hg19) VCF-style: chr7-128477605-A-G.
Other names: c.850+3A>G (NM_001127487.2).
Identifiers: ClinVar variation 4812604 (VCV004812604.1).

ClinVar aggregate classification (germline): Uncertain significance (1 of 4 stars; one submission).

Conditions:
Hypertrophic cardiomyopathy 26. Also called: Cardiomyopathy, familial hypertrophic, 26. Identifiers: Orphanet 75249, MedGen C4310749, MONDO:0014883, OMIM 617047.
Myofibrillar myopathy 5. Also called: Filaminopathy (type); FILAMINOPATHY, AUTOSOMAL DOMINANT. Identifiers: Orphanet 171445, MedGen C1836050, MONDO:0012289, OMIM 609524.
Distal myopathy with posterior leg and anterior hand involvement. Also called: WILLIAMS DISTAL MYOPATHY. Identifiers: Orphanet 63273, MedGen C3279722, MONDO:0013550, OMIM 614065.

Submission:

Labcorp Genetics (formerly Invitae), Labcorp
Classification: Uncertain significance for Distal myopathy with posterior leg and anterior hand involvement; Myofibrillar myopathy 5; Hypertrophic cardiomyopathy 26. Last evaluated: 2025-06-12. Review status: criteria provided, single submitter. Criteria: Invitae Variant Classification Sherloc (09022015). Collection method: clinical testing. Allele origin: germline.
Comment: This sequence change falls in intron 4 of the FLNC gene. It does not directly change the encoded amino acid sequence of the FLNC protein. It affects a nucleotide within the consensus splice site. This variant is not present in population databases (gnomAD no frequency). This variant has not been reported in the literature in individuals affected with FLNC-related conditions. Variants that disrupt the consensus splice site are a relatively common cause of aberrant splicing (PMID: 17576681, 9536098). Algorithms developed to predict the effect of sequence changes on RNA splicing suggest that this variant may disrupt the consensus splice site. In summary, the available evidence is currently insufficient to determine the role of this variant in disease. Therefore, it has been classified as a Variant of Uncertain Significance.

Literature cited by the submitters: PubMed 17576681; PubMed 9536098.